The following is an entry in ClinVar:

ClinVar aggregate classification (germline): Pathogenic/Likely pathogenic. Review status: criteria provided, multiple submitters, no conflicts (2 of 4 stars). 6 submissions from 6 submitters: Pathogenic (3); Likely pathogenic (3). Last evaluated 2026-02-20.

Conditions:
Familial adenomatous polyposis 4 (FAP4). Also called: MSH3-related attenuated familial adenomatous polyposis. Identifiers: Orphanet 480536, MedGen C4310719, MONDO:0044300, OMIM 617100.
Endometrial carcinoma. Also called: Endometrial carcinoma, somatic. Identifiers: MedGen C0476089, MONDO:0002447, OMIM 608089, HP:0012114.
Hereditary cancer-predisposing syndrome. Also called: Neoplastic Syndromes, Hereditary; Tumor predisposition; Hereditary neoplastic syndrome; Hereditary Cancer Syndrome. Identifiers: Orphanet 140162, MedGen C0027672, MeSH D009386, MONDO:0015356.

Allele frequency attached by ClinVar (database versions not stated): gnomAD exomes 0.00002; ExAC 0.00003; gnomAD 0.00003 and 0.00004; TOPMed 0.00003; ESP Exome Variant Server 0.00015.
gnomAD v4.1: 108 of 1,609,728 alleles (0.0067%); highest among the groups gnomAD compares: Non-Finnish European, 0.0084%; no homozygotes.

Submissions (6):

St. Jude Molecular Pathology, St. Jude Children's Research Hospital
Classification: Likely pathogenic for Familial adenomatous polyposis 4. Last evaluated: 2026-02-20. Review status: criteria provided, single submitter. Criteria: St. Jude Assertion Criteria 2020. Collection method: clinical testing. Allele origin: germline.
Comment: The MSH3 c.574C>T p.(G ln192Ter) change is a nonsense variant that is predicted to cause premature protein truncation or absence of protein due to nonsense-mediated decay. This variant has a maximum subpopulation frequency of 0.0062% in gnomAD v2.1.1. To our knowledge this variant has not been reported in individuals with MSH3-associated polyposis syndrome. In summary, this variant meets criteria to be classified as likely pathogenic.

Labcorp Genetics (formerly Invitae), Labcorp
Classification: Pathogenic. Last evaluated: 2026-01-26. Review status: criteria provided, single submitter. Criteria: Invitae Variant Classification Sherloc (09022015). Collection method: clinical testing. Allele origin: germline.
Comment: This sequence change creates a premature translational stop signal (p.Gln192*) in the MSH3 gene. It is expected to result in an absent or disrupted protein product. Loss-of-function variants in MSH3 are known to be pathogenic (PMID: 27476653, 37402566). This variant is present in population databases (rs374133543, gnomAD 0.004%). This variant has not been reported in the literature in individuals affected with MSH3-related conditions. ClinVar contains an entry for this variant (Variation ID: 643818). For these reasons, this variant has been classified as Pathogenic.

GeneDx
Classification: Likely pathogenic. Last evaluated: 2025-09-18. Review status: criteria provided, single submitter. Criteria: GeneDx Variant Classification Process June 2021. Collection method: clinical testing. Allele origin: germline. Affected: yes.
Comment: Nonsense variant predicted to result in protein truncation or nonsense mediated decay in a gene for which loss of function is a known mechanism of disease; Not observed at significant frequency in large population cohorts (gnomAD); Identified in a pediatric patient with high-grade glioma (PMID: 36541551); This variant is associated with the following publications: (PMID: 29641532, 27476653, 36541551, 37402566)

Ambry Genetics
Classification: Pathogenic for Hereditary cancer-predisposing syndrome. Last evaluated: 2025-05-21. Review status: criteria provided, single submitter. Criteria: Ambry Variant Classification Scheme 2023. Collection method: clinical testing. Allele origin: germline.
Comment: The p.Q192* pathogenic mutation (also known as c.574C>T), located in coding exon 3 of the MSH3 gene, results from a C to T substitution at nucleotide position 574. This changes the amino acid from a glutamine to a stop codon within coding exon 3. This variant is considered to be rare based on population cohorts in the Genome Aggregation Database (gnomAD). This alteration is expected to result in loss of function by premature protein truncation or nonsense-mediated mRNA decay. As such, this alteration is interpreted as a disease-causing mutation.

Baylor Genetics
Classification: Likely pathogenic for Endometrial carcinoma. Last evaluated: 2024-03-08. Review status: criteria provided, single submitter. Criteria: ACMG Guidelines, 2015. Collection method: clinical testing. Allele origin: unknown.

Myriad Genetics, Inc.
Classification: Pathogenic for Familial adenomatous polyposis 4. Last evaluated: 2023-08-29. Review status: criteria provided, single submitter. Criteria: Myriad Autosomal Dominant, Autosomal Recessive and X-Linked Classification Criteria (2023). Collection method: clinical testing. Allele origin: unknown.
Comment: This variant is considered pathogenic. This variant creates a termination codon and is predicted to result in premature protein truncation.

Literature cited by the submitters: PubMed 27476653 (cited by Labcorp Genetics (formerly Invitae), Labcorp); PubMed 37402566 (cited by Labcorp Genetics (formerly Invitae), Labcorp).

NM_002439.5(MSH3):c.574C>T (p.Gln192Ter)

Gene: MSH3 (mutS homolog 3; plus strand). Cytogenetic location: 5q14.1.
Variant type: single nucleotide variant.
Coding change: c.574C>T on transcript NM_002439.5 (MANE Select); coding-DNA position 574, C replaced by T.
Protein change: p.Gln192Ter; replaces glutamine 192 with a stop codon.
Molecular consequence: nonsense.
Genome position (GRCh38, 1-based): chr5:80,665,358, C>T. VCF-style: chr5-80665358-C-T. GRCh37 (hg19) VCF-style: chr5-79961177-C-T.
Other names: short protein forms Q192*.
Identifiers: ClinVar variation 643818 (VCV000643818.20), dbSNP rs374133543, ClinGen allele CA3327636.